The following is an entry in ClinVar:

NM_002633.3(PGM1):c.1104G>A (p.Ala368=)

Gene: PGM1 (phosphoglucomutase 1; plus strand). Cytogenetic location: 1p31.3.
Variant type: single nucleotide variant.
Coding change: c.1104G>A on transcript NM_002633.3 (MANE Select); coding-DNA position 1104, G replaced by A.
Protein change: p.Ala368=; no amino-acid change (alanine 368 retained).
Molecular consequence: synonymous variant.
Genome position (GRCh38, 1-based): chr1:63,638,760, G>A. VCF-style: chr1-63638760-G-A. GRCh37 (hg19) VCF-style: chr1-64104431-G-A.
Other names: c.1158G>A, p.Ala386= (NM_001172818.1); c.513G>A, p.Ala171= (NM_001172819.2).
Identifiers: ClinVar variation 1661251 (VCV001661251.31), dbSNP rs776558188, ClinGen allele CA889719.

ClinVar aggregate classification (germline): Likely benign. Review status: criteria provided, multiple submitters, no conflicts (2 of 4 stars). 2 submissions from 2 submitters: Likely benign (2). Last evaluated 2025-08-18.

Conditions:
PGM1-congenital disorder of glycosylation. Also called: Congenital disorder of glycosylation type 1t; CDG It; PHOSPHOGLUCOMUTASE 1 DEFICIENCY; PGM1 DEFICIENCY; GLYCOGEN STORAGE DISEASE XIV; GSD XIV. Identifiers: Orphanet 319646, MedGen C2752015, MONDO:0013968, OMIM 614921.

Allele frequency attached by ClinVar (database versions not stated): ExAC 0.00001; gnomAD exomes 0.00001 and 0.00002; gnomAD 0.00002.
gnomAD v4.1: 24 of 1,613,914 alleles (0.0015%); highest among the groups gnomAD compares: Admixed American, 0.0067%; no homozygotes.

Submissions (2):

Labcorp Genetics (formerly Invitae), Labcorp
Classification: Likely benign for PGM1-congenital disorder of glycosylation. Last evaluated: 2025-08-18. Review status: criteria provided, single submitter. Criteria: Invitae Variant Classification Sherloc (09022015). Collection method: clinical testing. Allele origin: germline.

CeGaT Center for Human Genetics Tuebingen
Classification: Likely benign. Last evaluated: 2022-04-01. Review status: criteria provided, single submitter. Criteria: CeGaT Center For Human Genetics Tuebingen Variant Classification Criteria Version 2. Collection method: clinical testing. Allele origin: germline. Affected: yes. Observed: 1 variant allele.
Comment: PGM1: BP4, BP7